The following is an entry in ClinVar:

NM_001283009.2(RTEL1):c.3807G>A (p.Trp1269Ter)

Genes: RTEL1 (regulator of telomere elongation helicase 1; plus strand), RTEL1-TNFRSF6B (RTEL1-TNFRSF6B readthrough (NMD candidate); plus strand). Cytogenetic location: 20q13.33.
Variant type: single nucleotide variant.
Coding change: c.3807G>A on transcript NM_001283009.2 (MANE Select); coding-DNA position 3807, G replaced by A.
Protein change: p.Trp1269Ter; replaces tryptophan 1269 with a stop codon.
Molecular consequence: nonsense. On other transcripts: non-coding transcript variant (1), intron variant (3).
Genome position (GRCh38, 1-based): chr20:63,695,635, G>A. VCF-style: chr20-63695635-G-A. GRCh37 (hg19) VCF-style: chr20-62326988-G-A.
Other names: c.3807G>A (NM_001283009.1); c.2984-143G>A (NM_001283010.1); c.3725-143G>A (NM_032957.5); c.3653-143G>A (NM_016434.4); short protein forms W1269*.
Identifiers: ClinVar variation 2186592 (VCV002186592.5), dbSNP rs2145481109, ClinGen allele CA409710348.

ClinVar aggregate classification (germline): Uncertain significance. Review status: criteria provided, single submitter (1 of 4 stars). 2 submissions from 2 submitters: Uncertain significance (1). 1 of the submissions does not count toward it. Last evaluated 2025-08-20.

Conditions:
RTEL1-related disorder. Also called: RTEL1-related condition; RTEL1-related disorders.
Dyskeratosis congenita, autosomal recessive 5 (DKCB5). Identifiers: MedGen C3554656, MONDO:0014076, OMIM 615190.
Pulmonary fibrosis and/or bone marrow failure, Telomere-related, 3. Also called: PULMONARY FIBROSIS AND/OR BONE MARROW FAILURE SYNDROME, TELOMERE-RELATED, 3. Identifiers: Orphanet 2032, MedGen C4225346, MONDO:0014613, OMIM 616373.

Submissions (2):

Labcorp Genetics (formerly Invitae), Labcorp
Classification: Uncertain significance for Dyskeratosis congenita, autosomal recessive 5; Pulmonary fibrosis and/or bone marrow failure, Telomere-related, 3. Last evaluated: 2025-08-20. Review status: criteria provided, single submitter. Criteria: Invitae Variant Classification Sherloc (09022015). Collection method: clinical testing. Allele origin: germline.
Comment: This sequence change creates a premature translational stop signal (p.Trp1269*) in the RTEL1 gene. While this is not anticipated to result in nonsense mediated decay, it is expected to disrupt the last 32 amino acid(s) of the RTEL1 protein. This variant is not present in population databases (gnomAD no frequency). This variant has not been reported in the literature in individuals affected with RTEL1-related conditions. ClinVar contains an entry for this variant (Variation ID: 2186592). Experimental studies and prediction algorithms are not available or were not evaluated, and the functional significance of this variant is currently unknown. In summary, the available evidence is currently insufficient to determine the role of this variant in disease. Therefore, it has been classified as a Variant of Uncertain Significance.

PreventionGenetics, part of Exact Sciences
Classification: Uncertain significance for RTEL1-related condition. Last evaluated: 2024-04-19. Review status: no assertion criteria provided. Collection method: clinical testing. Allele origin: germline. Not counted in ClinVar's aggregate classification.
Comment: The RTEL1 c.3807G>A variant is predicted to result in premature protein termination (p.Trp1269*). This variant is within the deep intronic region when using the HGMD transcript NM_032957.4 and defined as c.3725-143G>A. To our knowledge, this variant has not been reported in the literature or in a large population database, indicating this variant is rare. At this time, the clinical significance of this variant is uncertain due to the absence of conclusive functional and genetic evidence.